The following is an entry in ClinVar:

ClinVar aggregate classification (germline): Likely benign (0 of 4 stars; one submission).

Conditions:
SYK-related disorder. Also called: SYK-related condition.

Allele frequency attached by ClinVar (database versions not stated): TOPMed 0.00003; ESP Exome Variant Server 0.00008; gnomAD 0.00009; gnomAD exomes 0.00011; 1000 Genomes Project 30x 0.00016; 1000 Genomes Project 0.00020; ExAC 0.00027.
gnomAD v4.1: 181 of 1,612,974 alleles (0.011%); highest among the groups gnomAD compares: South Asian, 0.16%; 3 homozygotes.

Submission:

PreventionGenetics, part of Exact Sciences
Classification: Likely benign for SYK-related condition. Last evaluated: 2022-11-23. Review status: no assertion criteria provided. Collection method: clinical testing. Allele origin: germline.
Comment: This variant is classified as likely benign based on ACMG/AMP sequence variant interpretation guidelines (Richards et al. 2015 PMID: 25741868, with internal and published modifications).

NM_003177.7(SYK):c.192C>T (p.Tyr64=)

Gene: SYK (spleen associated tyrosine kinase; plus strand). Cytogenetic location: 9q22.2.
Variant type: single nucleotide variant.
Coding change: c.192C>T on transcript NM_003177.7 (MANE Select); coding-DNA position 192, C replaced by T.
Protein change: p.Tyr64=; no amino-acid change (tyrosine 64 retained).
Molecular consequence: synonymous variant.
Genome position (GRCh38, 1-based): chr9:90,844,090, C>T. VCF-style: chr9-90844090-C-T. GRCh37 (hg19) VCF-style: chr9-93606372-C-T.
Other names: c.192C>T, p.Tyr64= (NM_001135052.4, NM_001174167.3, NM_001174168.3).
Identifiers: ClinVar variation 3039092 (VCV003039092.2), dbSNP rs138271353, ClinGen allele CA5119145.